The following is an entry in ClinVar:

ClinVar aggregate classification (germline): Uncertain significance (1 of 4 stars; one submission).

Conditions:
Cardiovascular phenotype. Identifiers: MedGen CN230736.

gnomAD v4.1: 2 of 1,614,080 alleles (0.00012%); highest among the groups gnomAD compares: Non-Finnish European, 0.00017%; no homozygotes.

Submission:

Ambry Genetics
Classification: Uncertain significance for Cardiovascular phenotype. Last evaluated: 2026-03-09. Review status: criteria provided, single submitter. Criteria: Ambry Variant Classification Scheme 2023. Collection method: clinical testing. Allele origin: germline.
Comment: The p.P485L variant (also known as c.1454C>T), located in coding exon 8 of the TBX5 gene, results from a C to T substitution at nucleotide position 1454. The proline at codon 485 is replaced by leucine, an amino acid with similar properties. This amino acid position is conserved. In addition, this alteration is predicted to be tolerated by in silico analysis. Based on the available evidence, the clinical significance of this variant remains unclear.

NM_181486.4(TBX5):c.1454C>T (p.Pro485Leu)

Gene: TBX5 (T-box transcription factor 5; minus strand). Cytogenetic location: 12q24.21.
Variant type: single nucleotide variant.
Coding change: c.1454C>T on transcript NM_181486.4 (MANE Select); coding-DNA position 1454, C replaced by T.
Protein change: p.Pro485Leu; replaces proline 485 with leucine.
Molecular consequence: missense variant.
Genome position (GRCh38, 1-based): chr12:114,355,635, G>A on the plus strand (C>T on the coding strand, the complement: TBX5 is on the minus strand). VCF-style: chr12-114355635-G-A. GRCh37 (hg19) VCF-style: chr12-114793440-G-A.
Other names: c.1454C>T, p.Pro485Leu (NM_000192.3); c.1304C>T, p.Pro435Leu (NM_080717.4); short protein forms P435L, P485L.
Identifiers: ClinVar variation 4825887 (VCV004825887.1).
Genomic context (GRCh38, chr12:114,355,635, plus strand): 5'-ACAGAGTGGTACTGATGAGGGGATAGAGTCCTTGGCACGCCATGAGAGTAGAGGAACTCA[G>A]GGGGCTGAAGGGTGCCAGGGGACTGCAGGCCAGTCTGAGGCCCACACTGCCTGACCACAG-3'
Protein context (NP_852259.1, residues 475-495): GLQSPGTLQP[Pro485Leu]EFLYSHGVPR